The following is an entry in ClinVar:

ClinVar aggregate classification (germline): Pathogenic (1 of 4 stars; one submission).

Submission:

Labcorp Genetics (formerly Invitae), Labcorp
Classification: Pathogenic. Last evaluated: 2024-03-16. Review status: criteria provided, single submitter. Criteria: Invitae Variant Classification Sherloc (09022015). Collection method: clinical testing. Allele origin: germline.
Comment: This sequence change creates a premature translational stop signal (p.Gln295*) in the GPD1 gene. It is expected to result in an absent or disrupted protein product. Loss-of-function variants in GPD1 are known to be pathogenic (PMID: 22226083). This variant is present in population databases (no rsID available, gnomAD 0.002%). This variant has not been reported in the literature in individuals affected with GPD1-related conditions. For these reasons, this variant has been classified as Pathogenic.

Literature cited by the submitters: PubMed 22226083.

NM_005276.4(GPD1):c.883C>T (p.Gln295Ter)

Gene: GPD1 (glycerol-3-phosphate dehydrogenase 1; plus strand). Cytogenetic location: 12q13.12.
Variant type: single nucleotide variant.
Coding change: c.883C>T on transcript NM_005276.4 (MANE Select); coding-DNA position 883, C replaced by T.
Protein change: p.Gln295Ter; replaces glutamine 295 with a stop codon.
Molecular consequence: nonsense.
Genome position (GRCh38, 1-based): chr12:50,108,060, C>T. VCF-style: chr12-50108060-C-T. GRCh37 (hg19) VCF-style: chr12-50501843-C-T.
Other names: c.814C>T, p.Gln272Ter (NM_001257199.2); short protein forms Q272*, Q295*.
Identifiers: ClinVar variation 3619818 (VCV003619818.2).